The following is an entry in ClinVar:

ClinVar aggregate classification (germline): Conflicting classifications of pathogenicity. Review status: criteria provided, conflicting classifications (1 of 4 stars). 2 submissions from 2 submitters: Uncertain significance (1); Likely benign (1). Last evaluated 2025-02-09.

Conditions:
Mosaic variegated aneuploidy syndrome 1 (MVA1). Also called: Warburton-Anyane-Yeboa syndrome. Identifiers: Orphanet 1052, MedGen C1850343, MONDO:0009759, OMIM 257300.
Inborn genetic diseases. Identifiers: MedGen C0950123, MeSH D030342.

Allele frequency attached by ClinVar (database versions not stated): gnomAD exomes below 0.00001.
gnomAD v4.1: 1 of 1,614,030 alleles (0.000062%); highest among the groups gnomAD compares: African/African-American, 0.0013%; no homozygotes.

Submissions (2):

Labcorp Genetics (formerly Invitae), Labcorp
Classification: Uncertain significance for Mosaic variegated aneuploidy syndrome 1. Last evaluated: 2025-02-09. Review status: criteria provided, single submitter. Criteria: Invitae Variant Classification Sherloc (09022015). Collection method: clinical testing. Allele origin: germline.
Comment: This sequence change replaces isoleucine, which is neutral and non-polar, with methionine, which is neutral and non-polar, at codon 489 of the BUB1B protein (p.Ile489Met). This variant is not present in population databases (gnomAD no frequency). This variant has not been reported in the literature in individuals affected with BUB1B-related conditions. ClinVar contains an entry for this variant (Variation ID: 1773269). An algorithm developed to predict the effect of missense changes on protein structure and function outputs the following: PolyPhen-2: "Benign". The methionine amino acid residue is found in multiple mammalian species, which suggests that this missense change does not adversely affect protein function. In summary, the available evidence is currently insufficient to determine the role of this variant in disease. Therefore, it has been classified as a Variant of Uncertain Significance.

Ambry Genetics
Classification: Likely benign for Inborn genetic diseases. Last evaluated: 2021-10-09. Review status: criteria provided, single submitter. Criteria: Ambry Variant Classification Scheme 2023. Collection method: clinical testing. Allele origin: germline.

NM_001211.6(BUB1B):c.1467A>G (p.Ile489Met)

Gene: BUB1B (BUB1 mitotic checkpoint serine/threonine kinase B; plus strand). Cytogenetic location: 15q15.1.
Variant type: single nucleotide variant.
Coding change: c.1467A>G on transcript NM_001211.6 (MANE Select); coding-DNA position 1467, A replaced by G.
Protein change: p.Ile489Met; replaces isoleucine 489 with methionine.
Molecular consequence: missense variant.
Genome position (GRCh38, 1-based): chr15:40,200,309, A>G. VCF-style: chr15-40200309-A-G. GRCh37 (hg19) VCF-style: chr15-40492510-A-G.
Other names: short protein forms I489M.
Identifiers: ClinVar variation 1773269 (VCV001773269.3), dbSNP rs2542556120, ClinGen allele CA391689979.
Genomic context (GRCh38, chr15:40,200,309, plus strand): 5'-AGAGACGATGCCTACAAAGGAGACAACTAAACTGCAAATTGCTTCCGAGTCTCAGAAAAT[A>G]CCAGGAATGACTCTATCCAGTTCTGTTTGTCAAGTAAACTGTTGTGCCAGGTAAGACTAC-3'
Protein context (NP_001202.5, residues 479-499): KLQIASESQK[Ile489Met]PGMTLSSSVC